The following is an entry in ClinVar:

NM_000093.5(COL5A1):c.4230+5C>T

Gene: COL5A1 (collagen type V alpha 1 chain; plus strand). Cytogenetic location: 9q34.3.
Variant type: single nucleotide variant.
Coding change: c.4230+5C>T on transcript NM_000093.5 (MANE Select); 5 bases into the intron after coding-DNA position 4230, C replaced by T.
Molecular consequence: intron variant.
Genome position (GRCh38, 1-based): chr9:134,817,836, C>T. VCF-style: chr9-134817836-C-T. GRCh37 (hg19) VCF-style: chr9-137709682-C-T.
Other names: c.4230+5C>T (NM_001278074.1).
Identifiers: ClinVar variation 136892 (VCV000136892.77), dbSNP rs142248898, ClinGen allele CA290279.

ClinVar aggregate classification (germline): Benign/Likely benign. Review status: criteria provided, multiple submitters, no conflicts (2 of 4 stars). 19 submissions from 18 submitters: Benign (7); Likely benign (10). 2 of the submissions do not count toward it. Last evaluated 2026-02-03.

Conditions:
Ehlers-Danlos syndrome, classic type, 2 (EDSCL2). Also called: Ehlers-Danlos syndrome, type 2; Ehlers-Danlos syndrome type 2 (formerly); Ehlers-Danlos Syndrome, Classic Type, COL5A2-Related. Identifiers: Orphanet 287, Orphanet 90318, MedGen C0268336, MONDO:0019568, OMIM 130010.
Fibromuscular dysplasia, multifocal. Identifiers: MedGen C5543412, MONDO:0859151, OMIM 619329.
Ehlers-Danlos syndrome, classic type, 1 (EDSCL1). Also called: Ehlers-Danlos syndrome, type 1; Ehlers-Danlos Syndrome, Classic Type, COL5A1-Related; EDS I; EHLERS-DANLOS SYNDROME, GRAVIS TYPE; EHLERS-DANLOS SYNDROME, SEVERE CLASSIC TYPE. Identifiers: MedGen C0268335, MONDO:0019567, OMIM 130000.
Connective tissue disorder. Also called: Connective tissue disease. Identifiers: MedGen C0009782, MONDO:0003900.
Ehlers-Danlos syndrome (EDS). Identifiers: Orphanet 98249, MedGen C0013720, MONDO:0020066.
Ehlers-Danlos syndrome, classic type (cEDS). Identifiers: Orphanet 287, MedGen C4225429, MONDO:0007522.
Familial thoracic aortic aneurysm and aortic dissection (TAAD). Also called: Thoracic aortic aneurysms and dissections. Identifiers: Orphanet 91387, MedGen C4707243, MONDO:0019625.

Allele frequency attached by ClinVar (database versions not stated): 1000 Genomes Project 0.00060; 1000 Genomes Project 30x 0.00062; gnomAD 0.00175 and 0.00182; ESP Exome Variant Server 0.00177; TOPMed 0.00188; gnomAD exomes 0.00218; ExAC 0.00365.
gnomAD v4.1: 4,589 of 1,603,060 alleles (0.29%); highest among the groups gnomAD compares: Non-Finnish European, 0.35%; 7 homozygotes.

Submissions (19):

Labcorp Genetics (formerly Invitae), Labcorp
Classification: Benign for Ehlers-Danlos syndrome, classic type, 1. Last evaluated: 2026-02-03. Review status: criteria provided, single submitter. Criteria: Invitae Variant Classification Sherloc (09022015). Collection method: clinical testing. Allele origin: germline.

CeGaT Center for Human Genetics Tuebingen
Classification: Likely benign. Last evaluated: 2025-10-01. Review status: criteria provided, single submitter. Criteria: CeGaT Center For Human Genetics Tuebingen Variant Classification Criteria Version 2. Collection method: clinical testing. Allele origin: germline. Affected: yes. Observed: 5 variant alleles.
Comment: COL5A1: BP4, BS1

ARUP Laboratories, Molecular Genetics and Genomics, ARUP Laboratories
Classification: Benign. Last evaluated: 2025-05-02. Review status: criteria provided, single submitter. Criteria: ARUP Molecular Germline Variant Investigation Process 2024. Collection method: clinical testing. Allele origin: germline.

Molecular Diagnostic Laboratory for Inherited Cardiovascular Disease, Montreal Heart Institute
Classification: Likely benign. Last evaluated: 2025-04-09. Review status: criteria provided, single submitter. Criteria: ACMG Guidelines, 2015. Collection method: clinical testing. Allele origin: germline. Affected: no.
Comment: BS1;BP6

Mayo Clinic Laboratories, Mayo Clinic
Classification: Likely benign. Last evaluated: 2025-02-17. Review status: criteria provided, single submitter. Criteria: ACMG Guidelines, 2015. Collection method: clinical testing. Allele origin: germline. Observed: 32 variant alleles.
Comment: BS1, BP4, BP7

Blueprint Genetics
Classification: Likely benign. Last evaluated: 2024-11-23. Review status: criteria provided, single submitter. Criteria: ACMG Guidelines, 2015. Collection method: clinical testing. Allele origin: germline.

Women's Health and Genetics/Laboratory Corporation of America, LabCorp
Classification: Benign. Last evaluated: 2023-08-24. Review status: criteria provided, single submitter. Criteria: LabCorp Variant Classification Summary - May 2015. Collection method: clinical testing. Allele origin: germline.

Genome-Nilou Lab
Classification: Benign for Ehlers-Danlos syndrome, classic type, 1. Last evaluated: 2022-03-15. Review status: criteria provided, single submitter. Criteria: ACMG Guidelines, 2015. Collection method: clinical testing. Allele origin: germline. Affected: no.

Genome-Nilou Lab
Classification: Benign for Fibromuscular dysplasia, multifocal. Last evaluated: 2022-03-15. Review status: criteria provided, single submitter. Criteria: ACMG Guidelines, 2015. Collection method: clinical testing. Allele origin: germline. Affected: no.

Genome Diagnostics Laboratory, The Hospital for Sick Children
Classification: Likely benign for Ehlers-Danlos syndrome. Last evaluated: 2021-05-17. Review status: criteria provided, single submitter. Criteria: ACMG Guidelines, 2015. Collection method: clinical testing. Allele origin: germline.

Ambry Genetics
Classification: Likely benign for Familial thoracic aortic aneurysm and aortic dissection. Last evaluated: 2018-12-21. Review status: criteria provided, single submitter. Criteria: Ambry Variant Classification Scheme 2023. Collection method: clinical testing. Allele origin: germline.

Centre for Mendelian Genomics, University Medical Centre Ljubljana
Classification: Likely benign for Ehlers-Danlos syndrome, classic type, 2. Last evaluated: 2018-10-22. Review status: criteria provided, single submitter. Criteria: ACMG Guidelines, 2015. Collection method: clinical testing. Allele origin: unknown. Affected: yes.
Comment: This variant was classified as: Likely benign. The following ACMG criteria were applied in classifying this variant: BP4,BP6.

Illumina Laboratory Services, Illumina
Classification: Benign for Ehlers-Danlos syndrome, classic type, 1. Last evaluated: 2018-01-13. Review status: criteria provided, single submitter. Criteria: ICSL Variant Classification Criteria 13 December 2019. Collection method: clinical testing. Allele origin: germline.
Comment: This variant was observed in the ICSL laboratory as part of a predisposition screen in an ostensibly healthy population. It had not been previously curated by ICSL or reported in the Human Gene Mutation Database (HGMD: prior to June 1st, 2018), and was therefore a candidate for classification through an automated scoring system. Utilizing variant allele frequency, disease prevalence and penetrance estimates, and inheritance mode, an automated score was calculated to assess if this variant is too frequent to cause the disease. Based on the score and internal cut-off values, a variant classified as benign is not then subjected to further curation. The score for this variant resulted in a classification of benign for this disease.

Center for Human Genetics, Inc
Classification: Likely benign for Connective tissue disorder. Last evaluated: 2016-11-01. Review status: criteria provided, single submitter. Criteria: ACMG Guidelines, 2015. Collection method: clinical testing. Allele origin: germline. Affected: yes.

Eurofins Ntd Llc (ga)
Classification: Likely benign. Last evaluated: 2016-05-02. Review status: criteria provided, single submitter. Criteria: EGL Classification Definitions 2015. Collection method: clinical testing. Allele origin: germline. Observed: 1 variant allele, 1 heterozygote.

GeneDx
Classification: Benign. Last evaluated: 2013-02-22. Review status: criteria provided, single submitter. Criteria: GeneDx Variant Classification (06012015). Collection method: clinical testing. Allele origin: germline. Affected: yes.
Comment: This variant is considered likely benign or benign based on one or more of the following criteria: it is a conservative change, it occurs at a poorly conserved position in the protein, it is predicted to be benign by multiple in silico algorithms, and/or has population frequency not consistent with disease.

PreventionGenetics, part of Exact Sciences
Classification: Likely benign. Review status: criteria provided, single submitter. Criteria: ACMG Guidelines, 2015. Collection method: clinical testing. Allele origin: germline.

Clinical Genetics DNA and cytogenetics Diagnostics Lab, Erasmus MC, Erasmus Medical Center
Classification: Likely benign. Review status: no assertion criteria provided. Collection method: clinical testing. Allele origin: germline. Affected: yes. Study: VKGL Data-share Consensus. Not counted in ClinVar's aggregate classification.

Genome Diagnostics Laboratory, University Medical Center Utrecht
Classification: Likely benign. Review status: no assertion criteria provided. Collection method: clinical testing. Allele origin: germline. Affected: yes. Study: VKGL Data-share Consensus. Not counted in ClinVar's aggregate classification.